The following is an entry in ClinVar:

ClinVar aggregate classification (germline): Uncertain significance. Review status: criteria provided, multiple submitters, no conflicts (2 of 4 stars). 3 submissions from 3 submitters: Uncertain significance (3). Last evaluated 2025-04-07.

Conditions:
Age related macular degeneration 9. Identifiers: MedGen C1969651, MONDO:0012659, OMIM 611378.
Atypical hemolytic-uremic syndrome with C3 anomaly. Also called: AHUS, SUSCEPTIBILITY TO, 5. Identifiers: Orphanet 2134, MedGen C2752037, MONDO:0013043, OMIM 612925.
Complement component 3 deficiency. Identifiers: Orphanet 280133, MedGen C3151071, MONDO:0013417, OMIM 613779.

Allele frequency attached by ClinVar (database versions not stated): TOPMed 0.00003; ExAC 0.00004; gnomAD 0.00004 and 0.00005; gnomAD exomes 0.00006 and 0.00007; ESP Exome Variant Server 0.00008; 1000 Genomes Project 30x 0.00016; 1000 Genomes Project 0.00020.
gnomAD v4.1: 102 of 1,614,194 alleles (0.0063%); highest among the groups gnomAD compares: Non-Finnish European, 0.0062%; no homozygotes.

Submissions (3):

Centre for Clinical Genetics and Genomic Diagnostics, Zealand University Hospital
Classification: Uncertain significance. Last evaluated: 2025-04-07. Review status: criteria provided, single submitter. Criteria: ACMG Guidelines, 2015. Collection method: clinical testing. Allele origin: germline.

Labcorp Genetics (formerly Invitae), Labcorp
Classification: Uncertain significance. Last evaluated: 2025-04-01. Review status: criteria provided, single submitter. Criteria: Invitae Variant Classification Sherloc (09022015). Collection method: clinical testing. Allele origin: germline.
Comment: This sequence change replaces threonine, which is neutral and polar, with methionine, which is neutral and non-polar, at codon 1144 of the C3 protein (p.Thr1144Met). This variant is present in population databases (rs150237828, gnomAD 0.03%). This variant has not been reported in the literature in individuals affected with C3-related conditions. ClinVar contains an entry for this variant (Variation ID: 1417271). Invitae Evidence Modeling of protein sequence and biophysical properties (such as structural, functional, and spatial information, amino acid conservation, physicochemical variation, residue mobility, and thermodynamic stability) indicates that this missense variant is expected to disrupt C3 protein function with a positive predictive value of 80%. In summary, the available evidence is currently insufficient to determine the role of this variant in disease. Therefore, it has been classified as a Variant of Uncertain Significance.

Fulgent Genetics
Classification: Uncertain significance for Age related macular degeneration 9; Atypical hemolytic-uremic syndrome with C3 anomaly; Complement component 3 deficiency. Last evaluated: 2024-05-17. Review status: criteria provided, single submitter. Criteria: ACMG Guidelines, 2015. Collection method: clinical testing. Allele origin: germline.

NM_000064.4(C3):c.3431C>T (p.Thr1144Met)

Gene: C3 (complement C3; minus strand). Cytogenetic location: 19p13.3.
Variant type: single nucleotide variant.
Coding change: c.3431C>T on transcript NM_000064.4 (MANE Select); coding-DNA position 3431, C replaced by T.
Protein change: p.Thr1144Met; replaces threonine 1144 with methionine.
Molecular consequence: missense variant.
Genome position (GRCh38, 1-based): chr19:6,690,687, G>A on the plus strand (C>T on the coding strand, the complement: C3 is on the minus strand). VCF-style: chr19-6690687-G-A. GRCh37 (hg19) VCF-style: chr19-6690698-G-A.
Other names: short protein forms T1144M.
Identifiers: ClinVar variation 1417271 (VCV001417271.10), dbSNP rs150237828, ClinGen allele CA9128732.
Genomic context (GRCh38, chr19:6,690,687, plus strand): 5'-ACGTTGACCTGCTCCTCGCAAATATCTTTAGCCTCCTGCAGCGAGATGAGAACAAAGGCC[G>A]TGAGGGCCATGTCTTTCTCGTTGTTGTTCCGTAATCCACCCTGAGATAGAGAGCAGAAAG-3'
Protein context (NP_000055.2, residues 1134-1154): RNNNEKDMAL[Thr1144Met]AFVLISLQEA